The following is an entry in ClinVar:

ClinVar aggregate classification (germline): Uncertain significance. Review status: criteria provided, multiple submitters, no conflicts (2 of 4 stars). 2 submissions from 2 submitters: Uncertain significance (2). Last evaluated 2024-10-07.

gnomAD v4.1: 448 of 1,610,696 alleles (0.028%); highest among the groups gnomAD compares: Non-Finnish European, 0.036%; no homozygotes.

Submissions (2):

Ambry Genetics
Classification: Uncertain significance. Last evaluated: 2024-10-07. Review status: criteria provided, single submitter. Criteria: Ambry Variant Classification Scheme 2023. Collection method: clinical testing. Allele origin: germline.

CeGaT Center for Human Genetics Tuebingen
Classification: Uncertain significance. Last evaluated: 2024-07-01. Review status: criteria provided, single submitter. Criteria: CeGaT Center For Human Genetics Tuebingen Variant Classification Criteria Version 2. Collection method: clinical testing. Allele origin: germline. Affected: yes. Observed: 1 variant allele.
Comment: VWA1: PM2, PP3

NM_022834.5(VWA1):c.445G>A (p.Asp149Asn)

Gene: VWA1 (von Willebrand factor A domain containing 1; plus strand). Cytogenetic location: 1p36.33.
Variant type: single nucleotide variant.
Coding change: c.445G>A on transcript NM_022834.5 (MANE Select); coding-DNA position 445, G replaced by A.
Protein change: p.Asp149Asn; replaces aspartic acid 149 with asparagine.
Molecular consequence: missense variant. On other transcripts: intron variant (1).
Genome position (GRCh38, 1-based): chr1:1,437,298, G>A. VCF-style: chr1-1437298-G-A. GRCh37 (hg19) VCF-style: chr1-1372678-G-A.
Other names: c.445G>A (NM_022834.4); c.74-24G>A (NM_199121.3); short protein forms D149N.
Identifiers: ClinVar variation 3256973 (VCV003256973.18).
Genomic context (GRCh38, chr1:1,437,298, plus strand): 5'-TCAGGTGCCCGGCCAGGGGTGCCCAAAGTGCTGGTGTGGGTGACAGATGGCGGCTCCAGC[G>A]ACCCTGTGGGCCCCCCCATGCAGGAGCTCAAGGACCTGGGCGTCACCGTGTTCATTGTCA-3'
Protein context (NP_073745.2, residues 139-159): LVWVTDGGSS[Asp149Asn]PVGPPMQELK